The following is an entry in ClinVar:

ClinVar aggregate classification (germline): Conflicting classifications of pathogenicity. Review status: criteria provided, conflicting classifications (1 of 4 stars). 3 submissions from 3 submitters: Uncertain significance (2); Likely benign (1). Last evaluated 2023-06-25.

Conditions:
Inborn genetic diseases. Identifiers: MedGen C0950123, MeSH D030342.
Finnish type amyloidosis. Also called: Amyloidosis, familial, Finnish type; Meretoja type amyloidosis; Amyloidosis 5; AMYLOIDOSIS, HEREDITARY SYSTEMIC 4, FINNISH TYPE; AMYLOID CRANIAL NEUROPATHY WITH LATTICE CORNEAL DYSTROPHY; AMYLOIDOSIS DUE TO MUTANT GELSOLIN. Identifiers: Orphanet 85448, MedGen C1622345, MONDO:0007097, OMIM 105120.

Allele frequency attached by ClinVar (database versions not stated): gnomAD 0.00001; gnomAD exomes 0.00001 and 0.00002; ExAC 0.00002.
gnomAD v4.1: 17 of 1,613,774 alleles (0.0011%); highest among the groups gnomAD compares: Middle Eastern, 0.017%; no homozygotes.

Submissions (3):

Labcorp Genetics (formerly Invitae), Labcorp
Classification: Uncertain significance. Last evaluated: 2023-06-25. Review status: criteria provided, single submitter. Criteria: Invitae Variant Classification Sherloc (09022015). Collection method: clinical testing. Allele origin: germline.
Comment: This variant is present in population databases (rs765499763, gnomAD 0.02%). In summary, the available evidence is currently insufficient to determine the role of this variant in disease. Therefore, it has been classified as a Variant of Uncertain Significance. Algorithms developed to predict the effect of sequence changes on RNA splicing suggest that this variant is not likely to affect RNA splicing. ClinVar contains an entry for this variant (Variation ID: 1440755). This variant has not been reported in the literature in individuals affected with GSN-related conditions. This sequence change affects codon 222 of the GSN mRNA. It is a 'silent' change, meaning that it does not change the encoded amino acid sequence of the GSN protein. It affects a nucleotide within the consensus splice site.

Ambry Genetics
Classification: Likely benign for Inborn genetic diseases. Last evaluated: 2022-03-29. Review status: criteria provided, single submitter. Criteria: Ambry Variant Classification Scheme 2023. Collection method: clinical testing. Allele origin: germline.

Fulgent Genetics
Classification: Uncertain significance for Finnish type amyloidosis. Last evaluated: 2022-02-23. Review status: criteria provided, single submitter. Criteria: ACMG Guidelines, 2015. Collection method: clinical testing. Allele origin: unknown.

NM_198252.3(GSN):c.513C>T (p.Asn171=)

Gene: GSN (gelsolin; plus strand). Cytogenetic location: 9q33.2.
Variant type: single nucleotide variant.
Coding change: c.513C>T on transcript NM_198252.3 (MANE Select); coding-DNA position 513, C replaced by T.
Protein change: p.Asn171=; no amino-acid change (asparagine 171 retained).
Molecular consequence: synonymous variant. On other transcripts: 5 prime UTR variant (1).
Genome position (GRCh38, 1-based): chr9:121,310,845, C>T. VCF-style: chr9-121310845-C-T. GRCh37 (hg19) VCF-style: chr9-124073123-C-T.
Other names: c.666C>T, p.Asn222= (NM_000177.5); c.513C>T, p.Asn171= (NM_001127662.2, NM_001127664.2, NM_001127665.2 and 10 more transcripts); c.621C>T, p.Asn207= (NM_001127663.2); c.546C>T, p.Asn182= (NM_001127666.2, NM_001127667.2, NM_001353063.2 and 13 more transcripts); c.564C>T, p.Asn188= (NM_001258029.2); c.537C>T, p.Asn179= (NM_001258030.2); c.585C>T, p.Asn195= (NM_001353076.2); c.-142C>T (NM_001353078.2).
Identifiers: ClinVar variation 1440755 (VCV001440755.11), dbSNP rs765499763, ClinGen allele CA5220903.
Genomic context (GRCh38, chr9:121,310,845, plus strand): 5'-GGTACCTGTGTCCTGGGAGAGCTTCAACAATGGCGACTGCTTCATCCTGGACCTGGGCAA[C>T]GTGAGTCCTGCTTTCCTCTTTCCCAGGAGCCACTGAGGTGCTCCTGGTCTGATCAGGGAC-3'
Protein context (NP_937895.1, residues 161-181): NGDCFILDLG[Asn171=]NIHQWCGSNS